The following is an entry in ClinVar:

ClinVar aggregate classification (germline): Uncertain significance (1 of 4 stars; one submission).

Conditions:
Cardiovascular phenotype. Identifiers: MedGen CN230736.

Allele frequency attached by ClinVar (database versions not stated): gnomAD exomes below 0.00001; gnomAD 0.00001.
gnomAD v4.1: 5 of 1,549,178 alleles (0.00032%); highest among the groups gnomAD compares: East Asian, 0.0024%; no homozygotes.

Submission:

Ambry Genetics
Classification: Uncertain significance for Cardiovascular phenotype. Last evaluated: 2022-12-25. Review status: criteria provided, single submitter. Criteria: Ambry Variant Classification Scheme 2023. Collection method: clinical testing. Allele origin: germline.
Comment: The p.P2067S variant (also known as c.6199C>T), located in coding exon 2 of the ZNF469 gene, results from a C to T substitution at nucleotide position 6199. The proline at codon 2067 is replaced by serine, an amino acid with similar properties. This amino acid position is conserved. In addition, this alteration is predicted to be tolerated by in silico analysis. Since supporting evidence is limited at this time, the clinical significance of this alteration remains unclear.

NM_001367624.2(ZNF469):c.6283C>T (p.Pro2095Ser)

Gene: ZNF469 (zinc finger protein 469; plus strand). Cytogenetic location: 16q24.2.
Variant type: single nucleotide variant.
Coding change: c.6283C>T on transcript NM_001367624.2 (MANE Select); coding-DNA position 6283, C replaced by T.
Protein change: p.Pro2095Ser; replaces proline 2095 with serine.
Molecular consequence: missense variant.
Genome position (GRCh38, 1-based): chr16:88,433,753, C>T. VCF-style: chr16-88433753-C-T. GRCh37 (hg19) VCF-style: chr16-88500161-C-T.
Other names: NM_001127464.1:c.6199C>T; short protein forms P2095S.
Identifiers: ClinVar variation 2497321 (VCV002497321.2), dbSNP rs1317279254, ClinGen allele CA397105173.